The following is an entry in ClinVar:

ClinVar aggregate classification (germline): Pathogenic/Likely pathogenic. Review status: criteria provided, multiple submitters, no conflicts (2 of 4 stars). 2 submissions from 2 submitters: Pathogenic (1); Likely pathogenic (1). Last evaluated 2026-04-20.

Conditions:
Inborn genetic diseases. Identifiers: MedGen C0950123, MeSH D030342.

Submissions (2):

GeneDx
Classification: Pathogenic. Last evaluated: 2026-04-20. Review status: criteria provided, single submitter. Criteria: GeneDx Variant Classification Process June 2021. Collection method: clinical testing. Allele origin: germline.
Comment: Not observed at significant frequency in large population cohorts (gnomAD); In silico analysis supports that this missense variant has a deleterious effect on protein structure/function; Has not been previously published as pathogenic or benign to our knowledge

Ambry Genetics
Classification: Likely pathogenic for Inborn genetic diseases. Last evaluated: 2016-11-03. Review status: criteria provided, single submitter. Criteria: Ambry exome assertion method (8-5-2015). Collection method: clinical testing. Allele origin: germline. Affected: yes. Observed: 1 variant allele.

NM_178014.4(TUBB):c.979G>A (p.Asp327Asn)

Gene: TUBB (tubulin beta class I; plus strand). Cytogenetic location: 6p21.33.
Variant type: single nucleotide variant.
Coding change: c.979G>A on transcript NM_178014.4 (MANE Select); coding-DNA position 979, G replaced by A.
Protein change: p.Asp327Asn; replaces aspartic acid 327 with asparagine.
Molecular consequence: missense variant. On other transcripts: non-coding transcript variant (1).
Genome position (GRCh38, 1-based): chr6:30,724,041, G>A. VCF-style: chr6-30724041-G-A. GRCh37 (hg19) VCF-style: chr6-30691818-G-A.
Other names: c.979G>A (NM_178014.3); c.1039G>A, p.Asp347Asn (NM_001293212.2); c.373G>A, p.Asp125Asn (NM_001293213.2); c.847G>A, p.Asp283Asn (NM_001293214.2); c.763G>A, p.Asp255Asn (NM_001293215.2, NM_001293216.2); short protein forms D125N, D255N, D283N, D327N, D347N.
Identifiers: ClinVar variation 985928 (VCV000985928.5), dbSNP rs1776459285, ClinGen allele CA363149706.